The following is an entry in ClinVar:

NM_024675.4(PALB2):c.3154G>A (p.Asp1052Asn)

Gene: PALB2 (partner and localizer of BRCA2; minus strand). Cytogenetic location: 16p12.2.
Variant type: single nucleotide variant.
Coding change: c.3154G>A on transcript NM_024675.4 (MANE Select); coding-DNA position 3154, G replaced by A.
Protein change: p.Asp1052Asn; replaces aspartic acid 1052 with asparagine.
Molecular consequence: missense variant.
Genome position (GRCh38, 1-based): chr16:23,614,051, C>T on the plus strand (G>A on the coding strand, the complement: PALB2 is on the minus strand). VCF-style: chr16-23614051-C-T. GRCh37 (hg19) VCF-style: chr16-23625372-C-T.
Other names: short protein forms D1052N.
Identifiers: ClinVar variation 241559 (VCV000241559.18), dbSNP rs878855116, ClinGen allele CA10583352.

ClinVar aggregate classification (germline): Uncertain significance. Review status: criteria provided, multiple submitters, no conflicts (2 of 4 stars). 3 submissions from 3 submitters: Uncertain significance (3). Last evaluated 2025-08-11.

Conditions:
Hereditary cancer-predisposing syndrome. Also called: Tumor predisposition; Neoplastic Syndromes, Hereditary; Hereditary Cancer Syndrome; Hereditary neoplastic syndrome. Identifiers: Orphanet 140162, MedGen C0027672, MeSH D009386, MONDO:0015356.
Familial cancer of breast. Also called: Hereditary breast cancer; BREAST CANCER, FAMILIAL; hereditary breast carcinoma. Identifiers: Orphanet 227535, MedGen C0346153, MONDO:0016419, OMIM 114480. Disease mechanism: loss of function.

Allele frequency attached by ClinVar (database versions not stated): gnomAD exomes below 0.00001; TOPMed below 0.00001; gnomAD 0.00001.
gnomAD v4.1: 3 of 1,613,480 alleles (0.00019%); highest among the groups gnomAD compares: Non-Finnish European, 0.00025%; no homozygotes.

Submissions (3):

Ambry Genetics
Classification: Uncertain significance for Hereditary cancer-predisposing syndrome. Last evaluated: 2025-08-11. Review status: criteria provided, single submitter. Criteria: Ambry Variant Classification Scheme 2023. Collection method: clinical testing. Allele origin: germline.
Comment: The p.D1052N variant (also known as c.3154G>A), located in coding exon 11 of the PALB2 gene, results from a G to A substitution at nucleotide position 3154. The aspartic acid at codon 1052 is replaced by asparagine, an amino acid with highly similar properties. This amino acid position is not well conserved in available vertebrate species. In addition, this alteration is predicted to be tolerated by in silico analysis. Since supporting evidence is limited at this time, the clinical significance of this alteration remains unclear.

Labcorp Genetics (formerly Invitae), Labcorp
Classification: Uncertain significance for Familial cancer of breast. Last evaluated: 2024-10-15. Review status: criteria provided, single submitter. Criteria: Invitae Variant Classification Sherloc (09022015). Collection method: clinical testing. Allele origin: germline.
Comment: This sequence change replaces aspartic acid, which is acidic and polar, with asparagine, which is neutral and polar, at codon 1052 of the PALB2 protein (p.Asp1052Asn). This variant is present in population databases (no rsID available, gnomAD 0.007%). This variant has not been reported in the literature in individuals affected with PALB2-related conditions. ClinVar contains an entry for this variant (Variation ID: 241559). Invitae Evidence Modeling of protein sequence and biophysical properties (such as structural, functional, and spatial information, amino acid conservation, physicochemical variation, residue mobility, and thermodynamic stability) has been performed for this missense variant. However, the output from this modeling did not meet the statistical confidence thresholds required to predict the impact of this variant on PALB2 protein function. RNA analysis performed to evaluate the impact of this missense change on mRNA splicing indicates it does not significantly alter splicing (internal data). In summary, the available evidence is currently insufficient to determine the role of this variant in disease. Therefore, it has been classified as a Variant of Uncertain Significance.

Color Diagnostics, LLC DBA Color Health
Classification: Uncertain significance for Hereditary cancer-predisposing syndrome. Last evaluated: 2019-10-10. Review status: criteria provided, single submitter. Criteria: ACMG Guidelines, 2015. Collection method: clinical testing. Allele origin: germline.
Comment: This missense variant replaces aspartic acid with asparagine at codon 1052 of the PALB2 protein. Computational prediction tool suggests that this variant may not impact protein structure and function (internally defined REVEL score threshold ≤0.5, PMID: 27666373). Splice site prediction tools suggest that this variant may not impact RNA splicing. To our knowledge, functional studies have not been performed for this variant. This variant has not been reported in individuals affected with hereditary cancer in the literature. This variant has not been identified in the general population by the Genome Aggregation Database (gnomAD). The available evidence is insufficient to determine the role of this variant in disease conclusively. Therefore, this variant is classified as a Variant of Uncertain Significance.